The following is an entry in ClinVar:

NM_004656.4(BAP1):c.1028T>G (p.Leu343Arg)

Gene: BAP1 (BRCA1 associated deubiquitinase 1; minus strand). Cytogenetic location: 3p21.1.
Variant type: single nucleotide variant.
Coding change: c.1028T>G on transcript NM_004656.4 (MANE Select); coding-DNA position 1028, T replaced by G.
Protein change: p.Leu343Arg; replaces leucine 343 with arginine.
Molecular consequence: missense variant.
Genome position (GRCh38, 1-based): chr3:52,405,198, A>C on the plus strand (T>G on the coding strand, the complement: BAP1 is on the minus strand). VCF-style: chr3-52405198-A-C. GRCh37 (hg19) VCF-style: chr3-52439214-A-C.
Other names: c.974T>G, p.Leu325Arg (NM_001410772.1); short protein forms L343R, L325R.
Identifiers: ClinVar variation 2848453 (VCV002848453.4), dbSNP rs1311383282, ClinGen allele CA353105885.
Genomic context (GRCh38, chr3:52,405,198, plus strand): 5'-TTGTCTAGAAAGGCCGGCAGCCGCTGGACAATGGGAGTGGGGTTGGGGTGAACCCCATTG[A>C]GGCTGCTGCCTGGAGGCTTCACCACTAGCTTGGGTTTGTTGGGAGGGCTGTGGGATGGGG-3'
Protein context (NP_004647.1, residues 333-353): KLVVKPPGSS[Leu343Arg]NGVHPNPTPI

ClinVar aggregate classification (germline): Uncertain significance. Review status: criteria provided, multiple submitters, no conflicts (2 of 4 stars). 2 submissions from 2 submitters: Uncertain significance (2). Last evaluated 2026-08-06.

Conditions:
Melanoma, uveal, susceptibility to, 2 (UVM2). Also called: Melanoma, uveal 2. Identifiers: Orphanet 39044, MedGen C1847723, MONDO:0011696, OMIM 606661.
BAP1-related tumor predisposition syndrome (TPDS1). Also called: COMMON Syndrome; TUMOR PREDISPOSITION SYNDROME 1; BAP1 tumor predisposition syndrome; Tumor susceptibility linked to germline BAP1 mutations. Identifiers: Orphanet 289539, MedGen C3280492, MONDO:0013692, OMIM 614327.

Submissions (2):

OLLIN Analises Genomicas, OLLIN
Classification: Uncertain significance for Melanoma, uveal, susceptibility to, 2. Last evaluated: 2026-08-06. Review status: criteria provided, single submitter. Criteria: ACMG Guidelines 2015 PMID 25741868. Collection method: clinical testing. Allele origin: germline. Inheritance: Autosomal dominant inheritance.
Comment: This missense variant, located in exon 11 (of 17), is absent from gnomAD and has not been identified in the literature. However, it has been reported in ClinVar (accession VCV002848453.3). In silico analysis predicts that this variant has a tolerated effect. According to the currently available evidence, this variant has been classified as uncertain significance (PM2_P, BP4).

Labcorp Genetics (formerly Invitae), Labcorp
Classification: Uncertain significance for BAP1-related tumor predisposition syndrome. Last evaluated: 2023-04-28. Review status: criteria provided, single submitter. Criteria: Invitae Variant Classification Sherloc (09022015). Collection method: clinical testing. Allele origin: germline.
Comment: In summary, the available evidence is currently insufficient to determine the role of this variant in disease. Therefore, it has been classified as a Variant of Uncertain Significance. Advanced modeling of protein sequence and biophysical properties (such as structural, functional, and spatial information, amino acid conservation, physicochemical variation, residue mobility, and thermodynamic stability) performed at Invitae indicates that this missense variant is not expected to disrupt BAP1 protein function. This variant is not present in population databases (gnomAD no frequency). This sequence change replaces leucine, which is neutral and non-polar, with arginine, which is basic and polar, at codon 343 of the BAP1 protein (p.Leu343Arg). This variant has not been reported in the literature in individuals affected with BAP1-related conditions.